The following is an entry in ClinVar:

NM_001080467.3(MYO5B):c.3016C>T (p.His1006Tyr)

Gene: MYO5B (myosin VB; minus strand). Cytogenetic location: 18q21.1.
Variant type: single nucleotide variant.
Coding change: c.3016C>T on transcript NM_001080467.3 (MANE Select); coding-DNA position 3016, C replaced by T.
Protein change: p.His1006Tyr; replaces histidine 1006 with tyrosine.
Molecular consequence: missense variant.
Genome position (GRCh38, 1-based): chr18:49,894,970, G>A on the plus strand (C>T on the coding strand, the complement: MYO5B is on the minus strand). VCF-style: chr18-49894970-G-A. GRCh37 (hg19) VCF-style: chr18-47421340-G-A.
Other names: short protein forms H1006Y.
Identifiers: ClinVar variation 1900791 (VCV001900791.3), dbSNP rs888019349, ClinGen allele CA299976893.

ClinVar aggregate classification (germline): Uncertain significance (1 of 4 stars; one submission).

Allele frequency attached by ClinVar (database versions not stated): gnomAD exomes below 0.00001; TOPMed 0.00001.
gnomAD v4.1: 1 of 1,613,414 alleles (0.000062%); highest among the groups gnomAD compares: African/African-American, 0.0013%; no homozygotes.

Submission:

Labcorp Genetics (formerly Invitae), Labcorp
Classification: Uncertain significance. Last evaluated: 2022-04-04. Review status: criteria provided, single submitter. Criteria: Invitae Variant Classification Sherloc (09022015). Collection method: clinical testing. Allele origin: germline.
Comment: In summary, the available evidence is currently insufficient to determine the role of this variant in disease. Therefore, it has been classified as a Variant of Uncertain Significance. Algorithms developed to predict the effect of missense changes on protein structure and function are either unavailable or do not agree on the potential impact of this missense change (SIFT: "Deleterious"; PolyPhen-2: "Benign"; Align-GVGD: "Class C0"). This variant has not been reported in the literature in individuals affected with MYO5B-related conditions. This variant is not present in population databases (gnomAD no frequency). This sequence change replaces histidine, which is basic and polar, with tyrosine, which is neutral and polar, at codon 1006 of the MYO5B protein (p.His1006Tyr).